The following is an entry in ClinVar:

NM_002474.3(MYH11):c.4953+2T>C

Genes: MYH11 (myosin heavy chain 11; minus strand), NDE1 (nudE neurodevelopment protein 1; plus strand). Cytogenetic location: 16p13.11.
Variant type: single nucleotide variant.
Coding change: c.4953+2T>C on transcript NM_002474.3 (MANE Select); the canonical splice donor site of the intron after coding-DNA position 4953, T replaced by C.
Molecular consequence: splice donor variant. On other transcripts: intron variant (2).
Genome position (GRCh38, 1-based): chr16:15,720,149, A>G on the plus strand (T>C on the coding strand, the complement: MYH11 is on the minus strand). VCF-style: chr16-15720149-A-G. GRCh37 (hg19) VCF-style: chr16-15814006-A-G.
Other names: c.948-4042A>G (NM_001143979.2, NM_017668.3); c.4953+2T>C (NM_022844.3); c.4974+2T>C (NM_001040114.2, NM_001040113.2).
Identifiers: ClinVar variation 2571705 (VCV002571705.3), dbSNP rs111622724, ClinGen allele CA7921502.
Genomic context (GRCh38, chr16:15,720,149, plus strand): 5'-GGTGGCCTGAGGGGAACTGTGCCCTCCCTCCACCCATGCCCCAAGCTCCTAGTGTCACCC[A>G]CCTGCAGTTTGCGTAGCTGCTTGATGGCTTCCTCCCTCCCCTTGATGGCAGAGTCGGCCT-3'

ClinVar aggregate classification (germline): Conflicting classifications of pathogenicity. Review status: criteria provided, conflicting classifications (1 of 4 stars). 3 submissions from 3 submitters: Likely pathogenic (2); Uncertain significance (1). Last evaluated 2023-04-03.

Conditions:
Familial thoracic aortic aneurysm and aortic dissection (TAAD). Also called: Thoracic aortic aneurysms and dissections. Identifiers: Orphanet 91387, MedGen C4707243, MONDO:0019625.
MYH11-related disorder. Also called: MYH11-related condition.

Allele frequency attached by ClinVar (database versions not stated): gnomAD exomes below 0.00001; ExAC 0.00001.
gnomAD v4.1: 6 of 1,613,854 alleles (0.00037%); highest among the groups gnomAD compares: South Asian, 0.0066%; no homozygotes.

Submissions (3):

All of Us Research Program, National Institutes of Health
Classification: Uncertain significance for Familial thoracic aortic aneurysm and aortic dissection. Last evaluated: 2023-04-03. Review status: criteria provided, single submitter. Criteria: ACMG Guidelines, 2015. Collection method: clinical testing. Allele origin: germline. Inheritance: Autosomal dominant inheritance. Observed: 1 variant allele, 1 heterozygote.
Comment: This variant causes a T to C nucleotide substitution at the +2 position of intron 35 of the MYH11 gene. Splice prediction tools suggest that this variant may disrupt RNA splicing. To our knowledge, functional studies have not been reported for this variant. This variant has not been reported in individuals affected with MYH11-related disorders in the literature. This variant has been identified in 1/250946 chromosomes in the general population by the Genome Aggregation Database (gnomAD). The available evidence is insufficient to determine the role of this variant in disease conclusively. Therefore, this variant is classified as a Variant of Uncertain Significance.

This study involves interpretation of variants in research participants for the purpose of population health screening. Participant phenotype was not available at the time of variant classification. Additional details can be found in publication PMID: 35346344, PMCID: PMC8962531

GeneDx
Classification: Likely pathogenic. Last evaluated: 2023-01-09. Review status: criteria provided, single submitter. Criteria: GeneDx Variant Classification Process June 2021. Collection method: clinical testing. Allele origin: germline. Affected: yes.
Comment: Canonical splice site variant expected to result in aberrant splicing, although in the absence of functional evidence the actual effect of this sequence change is unknown; Not observed at significant frequency in large population cohorts (gnomAD); Observed in an individual undergoing whole exome sequencing; however, further clinical information was not reported in this population study (Van Hout et al., 2020); This variant is associated with the following publications: (PMID: 33087929)

Blueprint Genetics
Classification: Likely pathogenic for MYH11-related disorders. Last evaluated: 2019-05-16. Review status: criteria provided, single submitter. Criteria: ACMG Guidelines, 2015. Collection method: clinical testing. Allele origin: germline. Affected: yes. Observed: 1 variant allele.